The following is an entry in ClinVar:

ClinVar aggregate classification (germline): Uncertain significance. Review status: criteria provided, multiple submitters, no conflicts (2 of 4 stars). 2 submissions from 2 submitters: Uncertain significance (2). Last evaluated 2023-10-31.

Conditions:
Glycogen storage disease due to muscle and heart glycogen synthase deficiency. Also called: GSD 0b; MUSCLE GLYCOGEN SYNTHASE DEFICIENCY. Identifiers: Orphanet 137625, MedGen C1969054, MONDO:0012693, OMIM 611556.

Allele frequency attached by ClinVar (database versions not stated): gnomAD 0.00001; gnomAD exomes 0.00002; ExAC 0.00003.
gnomAD v4.1: 30 of 1,608,808 alleles (0.0019%); highest among the groups gnomAD compares: South Asian, 0.033%; no homozygotes.

Submissions (2):

Blueprint Genetics
Classification: Uncertain significance. Last evaluated: 2023-10-31. Review status: criteria provided, single submitter. Criteria: ACMG Guidelines, 2015. Collection method: clinical testing. Allele origin: germline.

Labcorp Genetics (formerly Invitae), Labcorp
Classification: Uncertain significance for Glycogen storage disease due to muscle and heart glycogen synthase deficiency. Last evaluated: 2022-12-02. Review status: criteria provided, single submitter. Criteria: Invitae Variant Classification Sherloc (09022015). Collection method: clinical testing. Allele origin: germline.
Comment: In summary, the available evidence is currently insufficient to determine the role of this variant in disease. Therefore, it has been classified as a Variant of Uncertain Significance. Advanced modeling of protein sequence and biophysical properties (such as structural, functional, and spatial information, amino acid conservation, physicochemical variation, residue mobility, and thermodynamic stability) performed at Invitae indicates that this missense variant is not expected to disrupt GYS1 protein function. This variant has not been reported in the literature in individuals affected with GYS1-related conditions. This variant is present in population databases (rs758361473, gnomAD 0.03%). This sequence change replaces serine, which is neutral and polar, with glycine, which is neutral and non-polar, at codon 358 of the GYS1 protein (p.Ser358Gly).

NM_002103.5(GYS1):c.1072A>G (p.Ser358Gly)

Gene: GYS1 (glycogen synthase 1; minus strand). Cytogenetic location: 19q13.33.
Variant type: single nucleotide variant.
Coding change: c.1072A>G on transcript NM_002103.5 (MANE Select); coding-DNA position 1072, A replaced by G.
Protein change: p.Ser358Gly; replaces serine 358 with glycine.
Molecular consequence: missense variant. On other transcripts: non-coding transcript variant (1).
Genome position (GRCh38, 1-based): chr19:48,981,627, T>C on the plus strand (A>G on the coding strand, the complement: GYS1 is on the minus strand). VCF-style: chr19-48981627-T-C. GRCh37 (hg19) VCF-style: chr19-49484884-T-C.
Other names: c.880A>G, p.Ser294Gly (NM_001161587.2); short protein forms S358G, S294G.
Identifiers: ClinVar variation 2790645 (VCV002790645.4), dbSNP rs758361473, ClinGen allele CA9563094.